The following is an entry in ClinVar:

ClinVar aggregate classification (germline): Uncertain significance (1 of 4 stars; one submission).

Allele frequency attached by ClinVar (database versions not stated): gnomAD exomes below 0.00001.
gnomAD v4.1: 1 of 1,612,822 alleles (0.000062%); highest among the groups gnomAD compares: South Asian, 0.0011%; no homozygotes.

Submission:

Labcorp Genetics (formerly Invitae), Labcorp
Classification: Uncertain significance. Last evaluated: 2022-03-04. Review status: criteria provided, single submitter. Criteria: Invitae Variant Classification Sherloc (09022015). Collection method: clinical testing. Allele origin: germline.
Comment: This variant has not been reported in the literature in individuals affected with IFT74-related conditions. This sequence change replaces isoleucine, which is neutral and non-polar, with threonine, which is neutral and polar, at codon 393 of the IFT74 protein (p.Ile393Thr). This variant is not present in population databases (gnomAD no frequency). Algorithms developed to predict the effect of missense changes on protein structure and function (SIFT, PolyPhen-2, Align-GVGD) all suggest that this variant is likely to be disruptive. In summary, the available evidence is currently insufficient to determine the role of this variant in disease. Therefore, it has been classified as a Variant of Uncertain Significance.

NM_025103.4(IFT74):c.1178T>C (p.Ile393Thr)

Gene: IFT74 (intraflagellar transport 74; plus strand). Cytogenetic location: 9p21.2.
Variant type: single nucleotide variant.
Coding change: c.1178T>C on transcript NM_025103.4 (MANE Select); coding-DNA position 1178, T replaced by C.
Protein change: p.Ile393Thr; replaces isoleucine 393 with threonine.
Molecular consequence: missense variant.
Genome position (GRCh38, 1-based): chr9:27,047,343, T>C. VCF-style: chr9-27047343-T-C. GRCh37 (hg19) VCF-style: chr9-27047341-T-C.
Other names: c.1178T>C, p.Ile393Thr (NM_001099222.3, NM_001099223.3, NM_001349928.2); short protein forms I393T.
Identifiers: ClinVar variation 2105876 (VCV002105876.4), dbSNP rs2489675604, ClinGen allele CA373125386.